The following is an entry in ClinVar:

NM_001001957.2(OR2W3):c.817T>C (p.Phe273Leu)

Gene: OR2W3 (olfactory receptor family 2 subfamily W member 3; plus strand). Cytogenetic location: 1q44.
Variant type: single nucleotide variant.
Coding change: c.817T>C on transcript NM_001001957.2 (MANE Select); coding-DNA position 817, T replaced by C.
Protein change: p.Phe273Leu; replaces phenylalanine 273 with leucine.
Molecular consequence: missense variant.
Genome position (GRCh38, 1-based): chr1:247,896,403, T>C. VCF-style: chr1-247896403-T-C. GRCh37 (hg19) VCF-style: chr1-248059705-T-C.
Other names: short protein forms F273L.
Identifiers: ClinVar variation 1926653 (VCV001926653.5), dbSNP rs554811520, ClinGen allele CA345596385.

ClinVar aggregate classification (germline): Uncertain significance (1 of 4 stars; one submission).

gnomAD v4.1: 6 of 1,613,796 alleles (0.00037%); highest among the groups gnomAD compares: Non-Finnish European, 0.00051%; no homozygotes.

Submission:

Labcorp Genetics (formerly Invitae), Labcorp
Classification: Uncertain significance. Last evaluated: 2024-01-19. Review status: criteria provided, single submitter. Criteria: Invitae Variant Classification Sherloc (09022015). Collection method: clinical testing. Allele origin: germline.
Comment: This sequence change replaces phenylalanine, which is neutral and non-polar, with leucine, which is neutral and non-polar, at codon 273 of the OR2W3 protein (p.Phe273Leu). This variant is not present in population databases (gnomAD no frequency). This variant has not been reported in the literature in individuals affected with OR2W3-related conditions. ClinVar contains an entry for this variant (Variation ID: 1926653). An algorithm developed to predict the effect of missense changes on protein structure and function (PolyPhen-2) suggests that this variant is likely to be tolerated. In summary, the available evidence is currently insufficient to determine the role of this variant in disease. Therefore, it has been classified as a Variant of Uncertain Significance.